The following is an entry in ClinVar:

ClinVar aggregate classification (germline): Uncertain significance. Review status: criteria provided, multiple submitters, no conflicts (2 of 4 stars). 3 submissions from 3 submitters: Uncertain significance (2). 1 of the submissions does not count toward it. Last evaluated 2024-11-13.

Conditions:
Tuberous sclerosis 1 (TSC1). Identifiers: Orphanet 805, MedGen C1854465, MONDO:0008612, OMIM 191100.
TSC1-related disorder. Also called: TSC1-related condition.
Hereditary cancer-predisposing syndrome. Also called: Hereditary neoplastic syndrome; Neoplastic Syndromes, Hereditary; Hereditary Cancer Syndrome; Tumor predisposition. Identifiers: Orphanet 140162, MedGen C0027672, MeSH D009386, MONDO:0015356.

gnomAD v4.1: 5 of 1,614,236 alleles (0.00031%); highest among the groups gnomAD compares: Non-Finnish European, 0.00042%; no homozygotes.

Submissions (3):

Labcorp Genetics (formerly Invitae), Labcorp
Classification: Uncertain significance for Tuberous sclerosis 1. Last evaluated: 2024-11-13. Review status: criteria provided, single submitter. Criteria: Invitae Variant Classification Sherloc (09022015). Collection method: clinical testing. Allele origin: germline.
Comment: This sequence change replaces glutamic acid, which is acidic and polar, with lysine, which is basic and polar, at codon 970 of the TSC1 protein (p.Glu970Lys). This variant is not present in population databases (gnomAD no frequency). This variant has not been reported in the literature in individuals affected with TSC1-related conditions. ClinVar contains an entry for this variant (Variation ID: 2723790). Invitae Evidence Modeling of protein sequence and biophysical properties (such as structural, functional, and spatial information, amino acid conservation, physicochemical variation, residue mobility, and thermodynamic stability) indicates that this missense variant is not expected to disrupt TSC1 protein function with a negative predictive value of 95%. In summary, the available evidence is currently insufficient to determine the role of this variant in disease. Therefore, it has been classified as a Variant of Uncertain Significance.

Ambry Genetics
Classification: Uncertain significance for Hereditary cancer-predisposing syndrome. Last evaluated: 2023-12-18. Review status: criteria provided, single submitter. Criteria: Ambry Variant Classification Scheme 2023. Collection method: clinical testing. Allele origin: germline.
Comment: The p.E970K variant (also known as c.2908G>A), located in coding exon 20 of the TSC1 gene, results from a G to A substitution at nucleotide position 2908. The glutamic acid at codon 970 is replaced by lysine, an amino acid with similar properties. This amino acid position is conserved. In addition, this alteration is predicted to be deleterious by in silico analysis. Since supporting evidence is limited at this time, the clinical significance of this alteration remains unclear.

PreventionGenetics, part of Exact Sciences
Classification: Uncertain significance for TSC1-related condition. Last evaluated: 2024-03-07. Review status: no assertion criteria provided. Collection method: clinical testing. Allele origin: germline. Not counted in ClinVar's aggregate classification.
Comment: The TSC1 c.2908G>A variant is predicted to result in the amino acid substitution p.Glu970Lys. To our knowledge, this variant has not been reported in the literature or in a large population database, indicating this variant is rare. At this time, the clinical significance of this variant is uncertain due to the absence of conclusive functional and genetic evidence.

NM_000368.5(TSC1):c.2908G>A (p.Glu970Lys)

Gene: TSC1 (TSC complex subunit 1; minus strand). Cytogenetic location: 9q34.13.
Variant type: single nucleotide variant.
Coding change: c.2908G>A on transcript NM_000368.5 (MANE Select); coding-DNA position 2908, G replaced by A.
Protein change: p.Glu970Lys; replaces glutamic acid 970 with lysine.
Molecular consequence: missense variant. On other transcripts: non-coding transcript variant (5).
Genome position (GRCh38, 1-based): chr9:132,897,251, C>T on the plus strand (G>A on the coding strand, the complement: TSC1 is on the minus strand). VCF-style: chr9-132897251-C-T. GRCh37 (hg19) VCF-style: chr9-135772638-C-T.
Other names: c.2905G>A, p.Glu969Lys (NM_001162426.2, NM_001406597.1, NM_001406598.1 and 2 more transcripts); c.2908G>A, p.Glu970Lys (NM_001406592.1, NM_001406593.1, NM_001406594.1 and 2 more transcripts); c.2866G>A, p.Glu956Lys (NM_001406607.1, NM_001406605.1, NM_001406606.1); c.2863G>A, p.Glu955Lys (NM_001406608.1, NM_001406609.1); c.2755G>A, p.Glu919Lys (NM_001406610.1, NM_001162427.2); c.2752G>A, p.Glu918Lys (NM_001406611.1, NM_001406612.1); c.2710G>A, p.Glu904Lys (NM_001406613.1); c.2545G>A, p.Glu849Lys (NM_001406614.1, NM_001406615.1, NM_001362177.2 and 4 more transcripts); and 8 more; short protein forms E835K, E848K, E849K, E969K, E970K, E653K, E904K, E956K.
Identifiers: ClinVar variation 2723790 (VCV002723790.5), dbSNP rs1845123378, ClinGen allele CA375368577.